The following is an entry in ClinVar:

ClinVar aggregate classification (germline): Uncertain significance (1 of 4 stars; one submission).

Allele frequency attached by ClinVar (database versions not stated): TOPMed below 0.00001; gnomAD 0.00001.
gnomAD v4.1: 1 of 1,613,934 alleles (0.000062%); highest among the groups gnomAD compares: Non-Finnish European, 0.000085%; no homozygotes.

Submission:

Quest Diagnostics Nichols Institute San Juan Capistrano
Classification: Uncertain significance. Last evaluated: 2022-11-01. Review status: criteria provided, single submitter. Criteria: Quest Diagnostics criteria. Collection method: clinical testing. Allele origin: unknown.
Comment: This variant has not been reported in the published literature. The frequency of this variant in the general population, 0.000032 (1/31398 chromosomes), is uninformative in assessment of its pathogenicity. Analysis of this variant using software algorithms for the prediction of the effect of nucleotide changes on splicing yielded predictions that this variant does not affect BRCA2 mRNA splicing . Based on the available information, we are unable to determine the clinical significance of this variant.

NM_000059.4(BRCA2):c.2367A>G (p.Lys789=)

Gene: BRCA2 (BRCA2 DNA repair associated; plus strand). Cytogenetic location: 13q13.1.
Variant type: single nucleotide variant.
Coding change: c.2367A>G on transcript NM_000059.4 (MANE Select); coding-DNA position 2367, A replaced by G.
Protein change: p.Lys789=; no amino-acid change (lysine 789 retained).
Molecular consequence: synonymous variant. On other transcripts: non-coding transcript variant (1), intron variant (2).
Genome position (GRCh38, 1-based): chr13:32,336,722, A>G. VCF-style: chr13-32336722-A-G. GRCh37 (hg19) VCF-style: chr13-32910859-A-G.
Other names: c.2367A>G, p.Lys789= (NM_001406719.1, NM_001406720.1); c.1909+3335A>G (NM_001406721.1); c.424+5692A>G (NM_001406722.1).
Identifiers: ClinVar variation 2681821 (VCV002681821.1), dbSNP rs1228502654, ClinGen allele CA483436894.